The following is an entry in ClinVar:

NM_001349338.3(FOXP1):c.679G>A (p.Glu227Lys)

Gene: FOXP1 (forkhead box P1; minus strand). Cytogenetic location: 3p13.
Variant type: single nucleotide variant.
Coding change: c.679G>A on transcript NM_001349338.3 (MANE Select); coding-DNA position 679, G replaced by A.
Protein change: p.Glu227Lys; replaces glutamic acid 227 with lysine.
Molecular consequence: missense variant. On other transcripts: non-coding transcript variant (2).
Genome position (GRCh38, 1-based): chr3:71,041,518, C>T on the plus strand (G>A on the coding strand, the complement: FOXP1 is on the minus strand). VCF-style: chr3-71041518-C-T. GRCh37 (hg19) VCF-style: chr3-71090669-C-T.
Other names: c.679G>A, p.Glu227Lys (NM_001244808.3, NM_001244810.2, NM_001244814.3 and 3 more transcripts); c.451G>A, p.Glu151Lys (NM_001244812.3); c.379G>A, p.Glu127Lys (NM_001244813.3, NM_001244815.2, NM_001349342.3 and 1 more transcripts); c.376G>A, p.Glu126Lys (NM_001349337.2, NM_001349343.3, NM_001349344.3); c.676G>A, p.Glu226Lys (NM_001349341.3); short protein forms E227K, E127K, E226K, E126K, E151K.
Identifiers: ClinVar variation 4742467 (VCV004742467.1).

ClinVar aggregate classification (germline): Uncertain significance (1 of 4 stars; one submission).

Submission:

Labcorp Genetics (formerly Invitae), Labcorp
Classification: Uncertain significance. Last evaluated: 2025-12-21. Review status: criteria provided, single submitter. Criteria: Invitae Variant Classification Sherloc (09022015). Collection method: clinical testing. Allele origin: germline.
Comment: This sequence change replaces glutamic acid, which is acidic and polar, with lysine, which is basic and polar, at codon 227 of the FOXP1 protein (p.Glu227Lys). This variant is not present in population databases (gnomAD no frequency). This variant has not been reported in the literature in individuals affected with FOXP1-related conditions. Invitae Evidence Modeling of protein sequence and biophysical properties (such as structural, functional, and spatial information, amino acid conservation, physicochemical variation, residue mobility, and thermodynamic stability) indicates that this missense variant is not expected to disrupt FOXP1 protein function with a negative predictive value of 80%. In summary, the available evidence is currently insufficient to determine the role of this variant in disease. Therefore, it has been classified as a Variant of Uncertain Significance.